The following is an entry in ClinVar:

NM_000435.3(NOTCH3):c.2082C>G (p.Pro694=)

Gene: NOTCH3 (notch receptor 3; minus strand). Cytogenetic location: 19p13.12.
Variant type: single nucleotide variant.
Coding change: c.2082C>G on transcript NM_000435.3 (MANE Select); coding-DNA position 2082, C replaced by G.
Protein change: p.Pro694=; no amino-acid change (proline 694 retained).
Molecular consequence: synonymous variant.
Genome position (GRCh38, 1-based): chr19:15,185,549, G>C on the plus strand (C>G on the coding strand, the complement: NOTCH3 is on the minus strand). VCF-style: chr19-15185549-G-C. GRCh37 (hg19) VCF-style: chr19-15296360-G-C.
Identifiers: ClinVar variation 328407 (VCV000328407.6), dbSNP rs751758366, ClinGen allele CA9263448.
Genomic context (GRCh38, chr19:15,185,549, plus strand): 5'-GCCAGGTGCATCATAGCAGATGCCGTGACTGCAGGGCTCATGGGCACAGGGATGGCTCGG[G>C]GGGAGGCAGAGTGGGGGCAAGGAGCCAGGCGGGCAGAGGCAGCGGAAGCCATTTTCCCCA-3'
Protein context (NP_000426.2, residues 684-704): PPGSLPPLCL[Pro694=]PSHPCAHEPC

ClinVar aggregate classification (germline): Uncertain significance. Review status: criteria provided, single submitter (1 of 4 stars). 2 submissions from 2 submitters: Uncertain significance (1). 1 of the submissions does not count toward it. Last evaluated 2018-01-13.

Conditions:
NOTCH3-related disorder. Also called: NOTCH3-related condition; NOTCH3-related disorders.
Cerebral arteriopathy, autosomal dominant, with subcortical infarcts and leukoencephalopathy, type 1 (CADASIL1). Also called: DEMENTIA, HEREDITARY MULTIINFARCT TYPE; CADASIL 1; CASIL; Cerebral arteriopathy with subcortical infarcts and leukoencephalopathy 1. Identifiers: Orphanet 136, MedGen C4551768, MONDO:0000914, OMIM 125310.

gnomAD v4.1: 7 of 1,613,758 alleles (0.00043%); highest among the groups gnomAD compares: Non-Finnish European, 0.00059%; no homozygotes.

Submissions (2):

Illumina Laboratory Services, Illumina
Classification: Uncertain significance for Cerebral arteriopathy, autosomal dominant, with subcortical infarcts and leukoencephalopathy, type 1. Last evaluated: 2018-01-13. Review status: criteria provided, single submitter. Criteria: ICSL Variant Classification Criteria 13 December 2019. Collection method: clinical testing. Allele origin: germline.

PreventionGenetics, part of Exact Sciences
Classification: Likely benign for NOTCH3-related condition. Last evaluated: 2024-09-22. Review status: no assertion criteria provided. Collection method: clinical testing. Allele origin: germline. Not counted in ClinVar's aggregate classification.
Comment: This variant is classified as likely benign based on ACMG/AMP sequence variant interpretation guidelines (Richards et al. 2015 PMID: 25741868, with internal and published modifications).